The following is an entry in ClinVar:

NM_022765.4(MICAL1):c.1435-11G>A

Gene: MICAL1 (microtubule associated monooxygenase, calponin and LIM domain containing 1; minus strand). Cytogenetic location: 6q21.
Variant type: single nucleotide variant.
Coding change: c.1435-11G>A on transcript NM_022765.4 (MANE Select); 11 bases into the intron before coding-DNA position 1435, G replaced by A.
Molecular consequence: intron variant.
Genome position (GRCh38, 1-based): chr6:109,449,492, C>T on the plus strand (G>A on the coding strand, the complement: MICAL1 is on the minus strand). VCF-style: chr6-109449492-C-T. GRCh37 (hg19) VCF-style: chr6-109770695-C-T.
Other names: c.1492-11G>A (NM_001286613.2); c.1177-11G>A (NM_001159291.2).
Identifiers: ClinVar variation 2134628 (VCV002134628.4), dbSNP rs2482794624, ClinGen allele CA2578711009.
Genomic context (GRCh38, chr6:109,449,492, plus strand): 5'-TTGTTCCTCTGCACAGGCTCCTTGGCTAGCACATCATACAGGTCTCGTACCTAAGGCAGC[C>T]CCGCTCAGGTCTCAAGGCAGGCTGGCCACACAGCCCCTGAGTCCAGGGGTAAGGGCCTGC-3'

ClinVar aggregate classification (germline): Uncertain significance (1 of 4 stars; one submission).

Submission:

Labcorp Genetics (formerly Invitae), Labcorp
Classification: Uncertain significance. Last evaluated: 2022-05-06. Review status: criteria provided, single submitter. Criteria: Invitae Variant Classification Sherloc (09022015). Collection method: clinical testing. Allele origin: germline.
Comment: In summary, the available evidence is currently insufficient to determine the role of this variant in disease. Therefore, it has been classified as a Variant of Uncertain Significance. Algorithms developed to predict the effect of sequence changes on RNA splicing suggest that this variant may create or strengthen a splice site. This variant has not been reported in the literature in individuals affected with MICAL1-related conditions. This variant is not present in population databases (gnomAD no frequency). This sequence change falls in intron 10 of the MICAL1 gene. It does not directly change the encoded amino acid sequence of the MICAL1 protein.